The following is an entry in ClinVar:

ClinVar aggregate classification (germline): Uncertain significance (1 of 4 stars; one submission).

Conditions:
Coffin-Lowry syndrome (CLS). Also called: COFFIN-LOWRY SYNDROME, MILD; Mental retardation with osteocartilaginous abnormalities. Identifiers: Orphanet 192, MedGen C0265252, MONDO:0010561, OMIM 303600.

Submission:

Victorian Clinical Genetics Services, Murdoch Childrens Research Institute
Classification: Uncertain significance for Coffin-Lowry syndrome. Last evaluated: 2026-07-08. Review status: criteria provided, single submitter. Criteria: ACMG Guidelines, 2015. Collection method: clinical testing. Allele origin: germline. Affected: yes.
Comment: This variant is classified as VUS-3A. Evidence in support of pathogenic classification: Non-canonical splice site variant without proven consequence on splicing (no functional evidence available); This variant is absent from gnomAD v4; Strong phenotype match for this individual. Additional information: This variant is hemizygous; This gene is associated with X-linked dominant disease. Females with heterozygous variants may be severely affected or very mild, and some affected males have been shown to inherit their variant from an unaffected mother (PMIDs: 19888300, 16879200); This variant has no previous evidence of pathogenicity; No published evidence of segregation with disease has been identified for this variant; No published functional evidence has been identified for this variant; No comparable variants have previous evidence for pathogenicity; In silico prediction for abnormal splicing and nucleotide conservation are conflicting; Loss of function is a known mechanism of disease in this gene and is associated with Coffin-Lowry syndrome (MIM#303600), and intellectual developmental disorder, X-linked 19 (MIM#300844); Variants in this gene are known to have variable expressivity, with intrafamilial variability reported (PMID: 32858545).

Literature cited by the submitters: PubMed 32858545; PubMed 19888300; PubMed 16879200.

NM_004586.3(RPS6KA3):c.1444-3T>G

Gene: RPS6KA3 (ribosomal protein S6 kinase A3; minus strand). Cytogenetic location: Xp22.12.
Variant type: single nucleotide variant.
Coding change: c.1444-3T>G on transcript NM_004586.3 (MANE Select); 3 bases into the intron before coding-DNA position 1444, T replaced by G.
Molecular consequence: intron variant.
Genome position (GRCh38, 1-based): chrX:20,167,750, A>C on the plus strand (T>G on the coding strand, the complement: RPS6KA3 is on the minus strand). VCF-style: chrX-20167750-A-C. GRCh37 (hg19) VCF-style: chrX-20185868-A-C.
Other names: c.1360-3T>G (NM_001438340.1).
Identifiers: ClinVar variation 4879774 (VCV004879774.1).